The following is an entry in ClinVar:

ClinVar aggregate classification (germline): Uncertain significance (1 of 4 stars; one submission).

gnomAD v4.1: 1 of 1,613,660 alleles (0.000062%); highest among the groups gnomAD compares: Non-Finnish European, 0.000085%; no homozygotes.

Submission:

Ambry Genetics
Classification: Uncertain significance. Last evaluated: 2026-03-30. Review status: criteria provided, single submitter. Criteria: Ambry Variant Classification Scheme 2023. Collection method: clinical testing. Allele origin: germline.
Comment: The p.S633C variant (also known as c.1898C>G), located in coding exon 13 of the GEN1 gene, results from a C to G substitution at nucleotide position 1898. The serine at codon 633 is replaced by cysteine, an amino acid with dissimilar properties. This amino acid position is conserved. In addition, this alteration is predicted to be tolerated by in silico analysis. Based on the available evidence, the clinical significance of this variant remains unclear.

NM_001130009.3(GEN1):c.1898C>G (p.Ser633Cys)

Gene: GEN1 (GEN1 structure-specific endonuclease; plus strand). Cytogenetic location: 2p24.2.
Variant type: single nucleotide variant.
Coding change: c.1898C>G on transcript NM_001130009.3 (MANE Select); coding-DNA position 1898, C replaced by G.
Protein change: p.Ser633Cys; replaces serine 633 with cysteine.
Molecular consequence: missense variant.
Genome position (GRCh38, 1-based): chr2:17,781,110, C>G. VCF-style: chr2-17781110-C-G. GRCh37 (hg19) VCF-style: chr2-17962377-C-G.
Other names: c.1898C>G, p.Ser633Cys (NM_182625.5); short protein forms S633C.
Identifiers: ClinVar variation 4857950 (VCV004857950.1).